The following is an entry in ClinVar:

NM_000263.4(NAGLU):c.313G>A (p.Gly105Ser)

Gene: NAGLU (N-acetyl-alpha-glucosaminidase; plus strand). Cytogenetic location: 17q21.2.
Variant type: single nucleotide variant.
Coding change: c.313G>A on transcript NM_000263.4 (MANE Select); coding-DNA position 313, G replaced by A.
Protein change: p.Gly105Ser; replaces glycine 105 with serine.
Molecular consequence: missense variant.
Genome position (GRCh38, 1-based): chr17:42,536,585, G>A. VCF-style: chr17-42536585-G-A. GRCh37 (hg19) VCF-style: chr17-40688603-G-A.
Other names: short protein forms G105S.
Identifiers: ClinVar variation 941742 (VCV000941742.7), dbSNP rs1181544224, ClinGen allele CA399596049.

ClinVar aggregate classification (germline): Uncertain significance (1 of 4 stars; one submission).

Conditions:
Mucopolysaccharidosis, MPS-III-B (MPS3B). Also called: MUCOPOLYSACCHARIDOSIS, TYPE IIIB; N-ACETYL-ALPHA-D-GLUCOSAMINIDASE DEFICIENCY; NAGLU DEFICIENCY; SANFILIPPO SYNDROME B; MPS III B; Mucopolysaccharidosis type IIIB (Sanfilippo B). Identifiers: Orphanet 79270, MedGen C0086648, MONDO:0009656, OMIM 252920.
Charcot-Marie-Tooth disease axonal type 2V. Also called: CHARCOT-MARIE-TOOTH NEUROPATHY, TYPE 2V; CHARCOT-MARIE-TOOTH DISEASE, AXONAL, AUTOSOMAL DOMINANT, TYPE 2V. Identifiers: Orphanet 447964, MedGen C5569050, MONDO:0014665, OMIM 616491.

Allele frequency attached by ClinVar (database versions not stated): TOPMed 0.00001.

Submission:

Labcorp Genetics (formerly Invitae), Labcorp
Classification: Uncertain significance for Charcot-Marie-Tooth disease axonal type 2V; Mucopolysaccharidosis, MPS-III-B. Last evaluated: 2021-08-27. Review status: criteria provided, single submitter. Criteria: Invitae Variant Classification Sherloc (09022015). Collection method: clinical testing. Allele origin: germline.
Comment: This sequence change replaces glycine with serine at codon 105 of the NAGLU protein (p.Gly105Ser). The glycine residue is weakly conserved and there is a small physicochemical difference between glycine and serine. The frequency data for this variant in the population databases is considered unreliable, as metrics indicate insufficient coverage at this position in the ExAC database. This variant has not been reported in the literature in individuals affected with NAGLU-related conditions. Algorithms developed to predict the effect of missense changes on protein structure and function output the following: SIFT: "Tolerated"; PolyPhen-2: "Possibly Damaging"; Align-GVGD: "Class C0". The serine amino acid residue is found in multiple mammalian species, which suggests that this missense change does not adversely affect protein function. Algorithms developed to predict the effect of sequence changes on RNA splicing suggest that this variant may create or strengthen a splice site. In summary, the available evidence is currently insufficient to determine the role of this variant in disease. Therefore, it has been classified as a Variant of Uncertain Significance.